The following is an entry in ClinVar:

NM_002834.5(PTPN11):c.*670G>A

Gene: PTPN11 (protein tyrosine phosphatase non-receptor type 11; plus strand). Cytogenetic location: 12q24.13.
Variant type: single nucleotide variant.
Coding change: c.*670G>A on transcript NM_002834.5 (MANE Select); 670 bases downstream of the stop codon, G replaced by A.
Molecular consequence: 3 prime UTR variant.
Genome position (GRCh38, 1-based): chr12:112,506,462, G>A. VCF-style: chr12-112506462-G-A. GRCh37 (hg19) VCF-style: chr12-112944266-G-A.
Other names: c.*670G>A (NM_001330437.2, NM_001374625.1).
Identifiers: ClinVar variation 307231 (VCV000307231.5), dbSNP rs112287134, ClinGen allele CA10640250.

ClinVar aggregate classification (germline): Benign. Review status: criteria provided, single submitter (1 of 4 stars). 3 submissions from 1 submitter: Benign (3). Last evaluated 2018-01-12.

Conditions:
Metachondromatosis (METCDS). Identifiers: Orphanet 2499, MedGen C0410530, MONDO:0007979, OMIM 156250.
LEOPARD syndrome 1 (LPRD1). Also called: LENTIGINOSIS, CARDIOMYOPATHIC; MULTIPLE LENTIGINES SYNDROME; PTPN11-Related LEOPARD Syndrome. Identifiers: Orphanet 500, MedGen C4551484, MONDO:0100082, OMIM 151100.
Noonan syndrome 1 (NS1). Also called: TURNER PHENOTYPE WITH NORMAL KARYOTYPE; PTPN11-Related Noonan Syndrome; FEMALE PSEUDO-TURNER SYNDROME. Identifiers: Orphanet 648, MedGen C4551602, MONDO:0008104, OMIM 163950. Disease mechanism: gain of function.

Allele frequency attached by ClinVar (database versions not stated): 1000 Genomes Project 30x 0.01280; 1000 Genomes Project 0.01338; gnomAD 0.01473 and 0.01588; TOPMed 0.01622.

Submissions (3):

Illumina Laboratory Services, Illumina
Classification: Benign for Noonan syndrome 1. Last evaluated: 2018-01-12. Review status: criteria provided, single submitter. Criteria: ICSL Variant Classification Criteria 13 December 2019. Collection method: clinical testing. Allele origin: germline.
Comment: This variant was observed in the ICSL laboratory as part of a predisposition screen in an ostensibly healthy population. It had not been previously curated by ICSL or reported in the Human Gene Mutation Database (HGMD: prior to June 1st, 2018), and was therefore a candidate for classification through an automated scoring system. Utilizing variant allele frequency, disease prevalence and penetrance estimates, and inheritance mode, an automated score was calculated to assess if this variant is too frequent to cause the disease. Based on the score and internal cut-off values, a variant classified as benign is not then subjected to further curation. The score for this variant resulted in a classification of benign for this disease.

Illumina Laboratory Services, Illumina
Classification: Benign for LEOPARD syndrome 1. Last evaluated: 2018-01-12. Review status: criteria provided, single submitter. Criteria: ICSL Variant Classification Criteria 13 December 2019. Collection method: clinical testing. Allele origin: germline.
Comment: the same text as in the submission from Illumina Laboratory Services, Illumina above.

Illumina Laboratory Services, Illumina
Classification: Benign for Metachondromatosis. Last evaluated: 2018-01-12. Review status: criteria provided, single submitter. Criteria: ICSL Variant Classification Criteria 13 December 2019. Collection method: clinical testing. Allele origin: germline.
Comment: the same text as in the submission from Illumina Laboratory Services, Illumina above.